The following is an entry in ClinVar:

NM_152564.5(VPS13B):c.8208T>C (p.His2736=)

Gene: VPS13B (vacuolar protein sorting 13 homolog B; plus strand). Cytogenetic location: 8q22.2.
Variant type: single nucleotide variant.
Coding change: c.8208T>C on transcript NM_152564.5 (MANE Select); coding-DNA position 8208, T replaced by C.
Protein change: p.His2736=; no amino-acid change (histidine 2736 retained).
Molecular consequence: synonymous variant.
Genome position (GRCh38, 1-based): chr8:99,817,650, T>C. VCF-style: chr8-99817650-T-C. GRCh37 (hg19) VCF-style: chr8-100829878-T-C.
Other names: c.8283T>C, p.His2761= (NM_017890.5).
Identifiers: ClinVar variation 3026890 (VCV003026890.22), dbSNP rs1814123098, ClinGen allele CA462457635.
Genomic context (GRCh38, chr8:99,817,650, plus strand): 5'-AGAACTAAAAGTCGTTCAGCATTACATTGGTCAAGATGGACAAGCTGTAGTTCGGGAACA[T>C]TTTGACTGCCTCACAGCCAAACAGAAATTGCCTTCGTACATACTAGAAAACAATGAACTG-3'
Protein context (NP_689777.3, residues 2726-2746): GQDGQAVVRE[His2736=]FDCLTAKQKL

ClinVar aggregate classification (germline): Likely benign (1 of 4 stars; one submission).

Submission:

CeGaT Center for Human Genetics Tuebingen
Classification: Likely benign. Last evaluated: 2024-01-01. Review status: criteria provided, single submitter. Criteria: CeGaT Center For Human Genetics Tuebingen Variant Classification Criteria Version 2. Collection method: clinical testing. Allele origin: germline. Affected: yes. Observed: 1 variant allele.
Comment: VPS13B: PM2:Supporting, BP4, BP7